The following is an entry in ClinVar:

NC_000001.10:g.(?_103377695)_(103412532_?)del

Gene: COL11A1 (collagen type XI alpha 1 chain; minus strand). Cytogenetic location: 1p21.1.
Variant type: Deletion.
Identifiers: ClinVar variation 2424278 (VCV002424278.4).

ClinVar aggregate classification (germline): Pathogenic (1 of 4 stars; one submission).

Submission:

Labcorp Genetics (formerly Invitae), Labcorp
Classification: Pathogenic. Last evaluated: 2022-06-13. Review status: criteria provided, single submitter. Criteria: Invitae Variant Classification Sherloc (09022015). Collection method: clinical testing. Allele origin: germline.
Comment: For these reasons, this variant has been classified as Pathogenic. This variant disrupts a region of the COL11A1 protein in which other variant(s) (p.Asp1334_Gly1336del) have been determined to be pathogenic (Invitae). This suggests that this is a clinically significant region of the protein, and that variants that disrupt it are likely to be disease-causing. This variant has not been reported in the literature in individuals affected with COL11A1-related conditions. This variant is a gross deletion of the genomic region encompassing exon(s) 42-54 of the COL11A1 gene. This variant would be expected to be in-frame, preserving the integrity of the reading frame.